The following is an entry in ClinVar:

ClinVar aggregate classification (germline): Uncertain significance (1 of 4 stars; one submission).

Conditions:
Carney complex, type 1 (CNC1). Also called: CARNEY MYXOMA-ENDOCRINE COMPLEX; CARNEY COMPLEX, TYPE I. Identifiers: Orphanet 1359, MedGen C2607929, MONDO:0008057, OMIM 160980.

Submission:

Labcorp Genetics (formerly Invitae), Labcorp
Classification: Uncertain significance for Carney complex, type 1. Last evaluated: 2019-09-14. Review status: criteria provided, single submitter. Criteria: Invitae Variant Classification Sherloc (09022015). Collection method: clinical testing. Allele origin: germline.
Comment: In summary, the available evidence is currently insufficient to determine the role of this variant in disease. Therefore, it has been classified as a Variant of Uncertain Significance. Algorithms developed to predict the effect of missense changes on protein structure and function (SIFT, PolyPhen-2, Align-GVGD) all suggest that this variant is likely to be disruptive, but these predictions have not been confirmed by published functional studies and their clinical significance is uncertain. This variant has not been reported in the literature in individuals with PRKAR1A-related conditions. This variant is not present in population databases (ExAC no frequency). This sequence change replaces serine with arginine at codon 101 of the PRKAR1A protein (p.Ser101Arg). The serine residue is highly conserved and there is a moderate physicochemical difference between serine and arginine.

NM_002734.5(PRKAR1A):c.301A>C (p.Ser101Arg)

Gene: PRKAR1A (protein kinase cAMP-dependent type I regulatory subunit alpha; plus strand). Cytogenetic location: 17q24.2.
Variant type: single nucleotide variant.
Coding change: c.301A>C on transcript NM_002734.5 (MANE Select); coding-DNA position 301, A replaced by C.
Protein change: p.Ser101Arg; replaces serine 101 with arginine.
Molecular consequence: missense variant.
Genome position (GRCh38, 1-based): chr17:68,522,879, A>C. VCF-style: chr17-68522879-A-C. GRCh37 (hg19) VCF-style: chr17-66519020-A-C.
Other names: c.301A>C, p.Ser101Arg (NM_001276289.2, NM_001276290.1, NM_001278433.2 and 4 more transcripts); short protein forms S101R.
Identifiers: ClinVar variation 955867 (VCV000955867.9), dbSNP rs2085661062, ClinGen allele CA400752417.